The following is an entry in ClinVar:

ClinVar aggregate classification (germline): Uncertain significance. Review status: criteria provided, multiple submitters, no conflicts (2 of 4 stars). 2 submissions from 2 submitters: Uncertain significance (2). Last evaluated 2023-04-03.

Conditions:
Tuberous sclerosis 2 (TSC2). Identifiers: Orphanet 805, MedGen C1860707, MONDO:0013199, OMIM 613254.
Tuberous sclerosis syndrome (TSC). Also called: Tuberous sclerosis; Tuberous Sclerosis Complex. Identifiers: Orphanet 805, MedGen C0041341, MONDO:0001734.

Submissions (2):

All of Us Research Program, National Institutes of Health
Classification: Uncertain significance for Tuberous sclerosis syndrome. Last evaluated: 2023-04-03. Review status: criteria provided, single submitter. Criteria: ACMG Guidelines, 2015. Collection method: clinical testing. Allele origin: germline. Inheritance: Autosomal dominant inheritance. Observed: 1 variant allele, 1 heterozygote.
Comment: This missense variant replaces isoleucine with phenylalanine at codon 797 of the TSC2 protein. Computational prediction is inconclusive regarding the impact of this variant on protein structure and function (internally defined REVEL score threshold 0.5 < inconclusive < 0.7, PMID: 27666373). To our knowledge, functional studies have not been reported for this variant. This variant has not been reported in individuals affected with TSC2-related disorders in the literature. This variant has not been identified in the general population by the Genome Aggregation Database (gnomAD). The available evidence is insufficient to determine the role of this variant in disease conclusively. Therefore, this variant is classified as a Variant of Uncertain Significance.

This study involves interpretation of variants in research participants for the purpose of population health screening. Participant phenotype was not available at the time of variant classification. Additional details can be found in publication PMID: 35346344, PMCID: PMC8962531

Labcorp Genetics (formerly Invitae), Labcorp
Classification: Uncertain significance for Tuberous sclerosis 2. Last evaluated: 2020-07-24. Review status: criteria provided, single submitter. Criteria: Invitae Variant Classification Sherloc (09022015). Collection method: clinical testing. Allele origin: germline.
Comment: In summary, the available evidence is currently insufficient to determine the role of this variant in disease. Therefore, it has been classified as a Variant of Uncertain Significance. Advanced modeling of protein sequence and biophysical properties (such as structural, functional, and spatial information, amino acid conservation, physicochemical variation, residue mobility, and thermodynamic stability) performed at Invitae indicates that this missense variant is not expected to disrupt TSC2 protein function. This variant has not been reported in the literature in individuals with TSC2-related conditions. This variant is not present in population databases (ExAC no frequency). This sequence change replaces isoleucine with phenylalanine at codon 797 of the TSC2 protein (p.Ile797Phe). The isoleucine residue is highly conserved and there is a small physicochemical difference between isoleucine and phenylalanine.

NM_000548.5(TSC2):c.2389A>T (p.Ile797Phe)

Gene: TSC2 (TSC complex subunit 2; plus strand). Cytogenetic location: 16p13.3.
Variant type: single nucleotide variant.
Coding change: c.2389A>T on transcript NM_000548.5 (MANE Select); coding-DNA position 2389, A replaced by T.
Protein change: p.Ile797Phe; replaces isoleucine 797 with phenylalanine.
Molecular consequence: missense variant.
Genome position (GRCh38, 1-based): chr16:2,074,233, A>T. VCF-style: chr16-2074233-A-T. GRCh37 (hg19) VCF-style: chr16-2124234-A-T.
Other names: c.2389A>T, p.Ile797Phe (NM_001077183.3, NM_001114382.3, NM_001363528.2 and 3 more transcripts); c.2278A>T, p.Ile760Phe (NM_001318827.2); c.2242A>T, p.Ile748Phe (NM_001318829.2); c.1789A>T, p.Ile597Phe (NM_001318831.2); c.2422A>T, p.Ile808Phe (NM_001318832.2); short protein forms I597F, I748F, I760F, I797F, I808F.
Identifiers: ClinVar variation 1004676 (VCV001004676.9), dbSNP rs1240217406, ClinGen allele CA394277061.